The following is an entry in ClinVar:

ClinVar aggregate classification (germline): Uncertain significance. Review status: criteria provided, multiple submitters, no conflicts (2 of 4 stars). 2 submissions from 2 submitters: Uncertain significance (2). Last evaluated 2025-08-30.

Conditions:
Joubert syndrome. Also called: CEREBELLOPARENCHYMAL DISORDER IV; JOUBERT-BOLTSHAUSER SYNDROME; Familial aplasia of the vermis. Identifiers: Orphanet 475, MedGen C5979921, MONDO:0018772.
Meckel-Gruber syndrome. Also called: DYSENCEPHALIA SPLANCHNOCYSTICA; GRUBER SYNDROME; Dysencephalia splachnocystica. Identifiers: Orphanet 564, MedGen C0265215, MONDO:0018921.
Inborn genetic diseases. Identifiers: MedGen C0950123, MeSH D030342.

Allele frequency attached by ClinVar (database versions not stated): TOPMed 0.00001; ExAC 0.00002; gnomAD exomes 0.00002; ESP Exome Variant Server 0.00008.
gnomAD v4.1: 19 of 1,611,070 alleles (0.0012%); highest among the groups gnomAD compares: South Asian, 0.0033%; 1 homozygote.

Submissions (2):

Ambry Genetics
Classification: Uncertain significance for Inborn genetic diseases. Last evaluated: 2025-08-30. Review status: criteria provided, single submitter. Criteria: Ambry Variant Classification Scheme 2023. Collection method: clinical testing. Allele origin: germline.

Labcorp Genetics (formerly Invitae), Labcorp
Classification: Uncertain significance for Joubert syndrome; Meckel-Gruber syndrome. Last evaluated: 2024-11-05. Review status: criteria provided, single submitter. Criteria: Invitae Variant Classification Sherloc (09022015). Collection method: clinical testing. Allele origin: germline.
Comment: This sequence change replaces valine, which is neutral and non-polar, with methionine, which is neutral and non-polar, at codon 1209 of the RPGRIP1L protein (p.Val1209Met). This variant is present in population databases (rs373993184, gnomAD 0.005%). This variant has not been reported in the literature in individuals affected with RPGRIP1L-related conditions. ClinVar contains an entry for this variant (Variation ID: 1428248). An algorithm developed to predict the effect of missense changes on protein structure and function outputs the following: PolyPhen-2: "Benign". The methionine amino acid residue is found in multiple mammalian species, which suggests that this missense change does not adversely affect protein function. In summary, the available evidence is currently insufficient to determine the role of this variant in disease. Therefore, it has been classified as a Variant of Uncertain Significance.

NM_015272.5(RPGRIP1L):c.3625G>A (p.Val1209Met)

Gene: RPGRIP1L (RPGRIP1 like; minus strand). Cytogenetic location: 16q12.2.
Variant type: single nucleotide variant.
Coding change: c.3625G>A on transcript NM_015272.5 (MANE Select); coding-DNA position 3625, G replaced by A.
Protein change: p.Val1209Met; replaces valine 1209 with methionine.
Molecular consequence: missense variant.
Genome position (GRCh38, 1-based): chr16:53,611,043, C>T on the plus strand (G>A on the coding strand, the complement: RPGRIP1L is on the minus strand). VCF-style: chr16-53611043-C-T. GRCh37 (hg19) VCF-style: chr16-53644955-C-T.
Other names: c.3385G>A, p.Val1129Met (NM_001127897.4); c.3487G>A, p.Val1163Met (NM_001308334.3); c.3523G>A, p.Val1175Met (NM_001330538.2); c.3625G>A (NM_015272.2); short protein forms V1129M, V1175M, V1209M, V1163M.
Identifiers: ClinVar variation 1428248 (VCV001428248.9), dbSNP rs373993184, ClinGen allele CA8057229.